The following is an entry in ClinVar:

ClinVar aggregate classification (germline): Uncertain significance (1 of 4 stars; one submission).

Conditions:
Cardiovascular phenotype. Identifiers: MedGen CN230736.

Allele frequency attached by ClinVar (database versions not stated): TOPMed below 0.00001; gnomAD 0.00001.
gnomAD v4.1: 18 of 1,614,030 alleles (0.0011%); highest among the groups gnomAD compares: Non-Finnish European, 0.0015%; no homozygotes.

Submission:

Ambry Genetics
Classification: Uncertain significance for Cardiovascular phenotype. Last evaluated: 2023-02-16. Review status: criteria provided, single submitter. Criteria: Ambry Variant Classification Scheme 2023. Collection method: clinical testing. Allele origin: germline.
Comment: The p.P558R variant (also known as c.1673C>G), located in coding exon 6 of the KCND3 gene, results from a C to G substitution at nucleotide position 1673. The proline at codon 558 is replaced by arginine, an amino acid with dissimilar properties. This amino acid position is conserved. In addition, this alteration is predicted to be tolerated by in silico analysis. Since supporting evidence is limited at this time, the clinical significance of this alteration remains unclear.

NM_001378969.1(KCND3):c.1673C>G (p.Pro558Arg)

Gene: KCND3 (potassium voltage-gated channel subfamily D member 3; minus strand). Cytogenetic location: 1p13.2.
Variant type: single nucleotide variant.
Coding change: c.1673C>G on transcript NM_001378969.1 (MANE Select); coding-DNA position 1673, C replaced by G.
Protein change: p.Pro558Arg; replaces proline 558 with arginine.
Molecular consequence: missense variant.
Genome position (GRCh38, 1-based): chr1:111,777,119, G>C on the plus strand (C>G on the coding strand, the complement: KCND3 is on the minus strand). VCF-style: chr1-111777119-G-C. GRCh37 (hg19) VCF-style: chr1-112319741-G-C.
Other names: c.1616C>G, p.Pro539Arg (NM_001378970.1, NM_172198.3); c.1673C>G, p.Pro558Arg (NM_004980.5); short protein forms P558R, P539R.
Identifiers: ClinVar variation 2447861 (VCV002447861.2), dbSNP rs1355025650, ClinGen allele CA341656887.
Genomic context (GRCh38, chr1:111,777,119, plus strand): 5'-ATGTGGATCGTGCTGAGCTCTTGCATGCTGCGCAGGCGAGTAGCTGGCAGGTTAGAATTG[G>C]GCAGGTGTGTGGTCTTCTTACTACGACGGGAGCAGCAGGTGGTAGTGAGGCCTGGGTGGC-3'
Protein context (NP_001365898.1, residues 548-568): SRRSKKTTHL[Pro558Arg]NSNLPATRLR